The following is an entry in ClinVar:

NM_004415.4(DSP):c.6563_6566dup (p.Cys2190fs)

Gene: DSP (desmoplakin; plus strand). Cytogenetic location: 6p24.3.
Variant type: Duplication.
Coding change: c.6563_6566dup on transcript NM_004415.4 (MANE Select); coding-DNA positions 6563 to 6566, 4 bases duplicated (AACG; older notation c.6563_6566dupAACG).
Protein change: p.Cys2190fs; shifts the reading frame from cysteine 2190.
Molecular consequence: frameshift variant.
Genome position (GRCh38, 1-based): chr6:7,583,825-7,583,828, AACG duplicated; duplicating any 4 consecutive bases within chr6:7,583,824-7,583,828 gives the same sequence; the c. name uses the placement nearest the transcript's 3' end. VCF-style (leftmost placement, unchanged base first): chr6-7583823-G-GGAAC. GRCh37 (hg19) VCF-style: chr6-7584056-G-GGAAC.
Other names: c.4766_4769dup, p.Cys1591fs (NM_001008844.3); c.5234_5237dup, p.Cys1747fs (NM_001319034.2); short protein forms C1591fs, C1747fs, C2190fs.
Identifiers: ClinVar variation 3760290 (VCV003760290.2).

ClinVar aggregate classification (germline): Pathogenic (1 of 4 stars; one submission).

Conditions:
Arrhythmogenic cardiomyopathy with wooly hair and keratoderma. Also called: PALMOPLANTAR KERATODERMA WITH LEFT VENTRICULAR CARDIOMYOPATHY AND WOOLLY HAIR; Carvajal syndrome; Dilated cardiomyopathy with woolly hair and keratoderma; Arrhythmogenic cardiomyopathy with woolly hair and keratoderma. Identifiers: Orphanet 65282, MedGen C1854063, MONDO:0011581, OMIM 605676.
Arrhythmogenic right ventricular dysplasia 8 (ARVD8). Also called: Arrhythmogenic Right Ventricular Dysplasia/Cardiomyopathy 8; ARRHYTHMOGENIC RIGHT VENTRICULAR DYSPLASIA, FAMILIAL, 8; ARRHYTHMOGENIC RIGHT VENTRICULAR CARDIOMYOPATHY 8. Identifiers: MedGen C1843896, MONDO:0011831, OMIM 607450.

Submission:

Labcorp Genetics (formerly Invitae), Labcorp
Classification: Pathogenic for Arrhythmogenic cardiomyopathy with wooly hair and keratoderma; Arrhythmogenic right ventricular dysplasia 8. Last evaluated: 2025-01-11. Review status: criteria provided, single submitter. Criteria: Invitae Variant Classification Sherloc (09022015). Collection method: clinical testing. Allele origin: germline.
Comment: This sequence change creates a premature translational stop signal (p.Cys2190Thrfs*33) in the DSP gene. While this is not anticipated to result in nonsense mediated decay, it is expected to disrupt the last 682 amino acid(s) of the DSP protein. This variant is not present in population databases (gnomAD no frequency). This variant has not been reported in the literature in individuals affected with DSP-related conditions. This variant disrupts a region of the DSP protein in which other variant(s) (p.Gln2730Serfs*16) have been determined to be pathogenic (PMID: 27532257, 28527814, 36580316; internal data). This suggests that this is a clinically significant region of the protein, and that variants that disrupt it are likely to be disease-causing. For these reasons, this variant has been classified as Pathogenic.

Literature cited by the submitters: PubMed 27532257; PubMed 28527814; PubMed 36580316.